The following is an entry in ClinVar:

NM_001928.4(CFD):c.122C>T (p.Ala41Val)

Gene: CFD (complement factor D; plus strand). Cytogenetic location: 19p13.3.
Variant type: single nucleotide variant.
Coding change: c.122C>T on transcript NM_001928.4 (MANE Select); coding-DNA position 122, C replaced by T.
Protein change: p.Ala41Val; replaces alanine 41 with valine.
Molecular consequence: missense variant.
Genome position (GRCh38, 1-based): chr19:860,683, C>T. VCF-style: chr19-860683-C-T. GRCh37 (hg19) VCF-style: chr19-860683-C-T.
Other names: c.143C>T, p.Ala48Val (NM_001317335.2); short protein forms A48V, A41V.
Identifiers: ClinVar variation 3676922 (VCV003676922.2).

ClinVar aggregate classification (germline): Uncertain significance (1 of 4 stars; one submission).

Submission:

Labcorp Genetics (formerly Invitae), Labcorp
Classification: Uncertain significance. Last evaluated: 2024-05-12. Review status: criteria provided, single submitter. Criteria: Invitae Variant Classification Sherloc (09022015). Collection method: clinical testing. Allele origin: germline.
Comment: This sequence change replaces alanine, which is neutral and non-polar, with valine, which is neutral and non-polar, at codon 41 of the CFD protein (p.Ala41Val). The frequency data for this variant in the population databases is considered unreliable, as metrics indicate poor data quality at this position in the gnomAD database. This variant has not been reported in the literature in individuals affected with CFD-related conditions. An algorithm developed to predict the effect of missense changes on protein structure and function (PolyPhen-2) suggests that this variant is likely to be disruptive. In summary, the available evidence is currently insufficient to determine the role of this variant in disease. Therefore, it has been classified as a Variant of Uncertain Significance.